The following is an entry in ClinVar:

ClinVar aggregate classification (germline): Benign/Likely benign. Review status: criteria provided, multiple submitters, no conflicts (2 of 4 stars). 6 submissions from 5 submitters: Benign (4); Likely benign (2). Last evaluated 2025-12-18.

Conditions:
Chondrocalcinosis 2. Also called: CALCIUM GOUT; CALCIUM PYROPHOSPHATE ARTHROPATHY; Familial calcium pyrophosphate deposition. Identifiers: Orphanet 1416, MedGen C0856830, MONDO:0007319, OMIM 118600.
Craniometaphyseal dysplasia, autosomal dominant (CMDD). Identifiers: Orphanet 1522, MedGen C1852502, MONDO:0007397, OMIM 123000.

Allele frequency attached by ClinVar (database versions not stated): gnomAD exomes 0.00024 and 0.00070; ExAC 0.00084; ESP Exome Variant Server 0.00246; 1000 Genomes Project 30x 0.00250; gnomAD 0.00281 and 0.00304; 1000 Genomes Project 0.00300; TOPMed 0.00312.
gnomAD v4.1: 806 of 1,614,152 alleles (0.05%); highest among the groups gnomAD compares: African/African-American, 0.9%; 8 homozygotes.

Submissions (6):

Labcorp Genetics (formerly Invitae), Labcorp
Classification: Benign. Last evaluated: 2025-12-18. Review status: criteria provided, single submitter. Criteria: Invitae Variant Classification Sherloc (09022015). Collection method: clinical testing. Allele origin: germline.

Blueprint Genetics
Classification: Likely benign. Last evaluated: 2024-11-14. Review status: criteria provided, single submitter. Criteria: ACMG Guidelines, 2015. Collection method: clinical testing. Allele origin: germline.

Genome-Nilou Lab
Classification: Benign for Craniometaphyseal dysplasia, autosomal dominant. Last evaluated: 2021-12-05. Review status: criteria provided, single submitter. Criteria: ACMG Guidelines, 2015. Collection method: clinical testing. Allele origin: germline. Affected: no.

GeneDx
Classification: Likely benign. Last evaluated: 2021-03-11. Review status: criteria provided, single submitter. Criteria: GeneDx Variant Classification Process June 2021. Collection method: clinical testing. Allele origin: germline. Affected: yes.

Illumina Laboratory Services, Illumina
Classification: Benign for Craniometaphyseal dysplasia, autosomal dominant. Last evaluated: 2018-01-13. Review status: criteria provided, single submitter. Criteria: ICSL Variant Classification Criteria 13 December 2019. Collection method: clinical testing. Allele origin: germline.
Comment: This variant was observed in the ICSL laboratory as part of a predisposition screen in an ostensibly healthy population. It had not been previously curated by ICSL or reported in the Human Gene Mutation Database (HGMD: prior to June 1st, 2018), and was therefore a candidate for classification through an automated scoring system. Utilizing variant allele frequency, disease prevalence and penetrance estimates, and inheritance mode, an automated score was calculated to assess if this variant is too frequent to cause the disease. Based on the score and internal cut-off values, a variant classified as benign is not then subjected to further curation. The score for this variant resulted in a classification of benign for this disease.

Illumina Laboratory Services, Illumina
Classification: Benign for Chondrocalcinosis 2. Last evaluated: 2018-01-13. Review status: criteria provided, single submitter. Criteria: ICSL Variant Classification Criteria 13 December 2019. Collection method: clinical testing. Allele origin: germline.
Comment: the same text as in the submission from Illumina Laboratory Services, Illumina above.

NM_054027.6(ANKH):c.1453G>A (p.Val485Met)

Genes: ANKH (ANKH inorganic pyrophosphate transport regulator; minus strand), OTULIN (OTU deubiquitinase with linear linkage specificity; plus strand). Cytogenetic location: 5p15.2.
Variant type: single nucleotide variant.
Coding change: c.1453G>A on transcript NM_054027.6 (MANE Select); coding-DNA position 1453, G replaced by A.
Protein change: p.Val485Met; replaces valine 485 with methionine.
Molecular consequence: missense variant.
Genome position (GRCh38, 1-based): chr5:14,711,223, C>T on the plus strand (G>A on the coding strand, the complement: ANKH is on the minus strand). VCF-style: chr5-14711223-C-T. GRCh37 (hg19) VCF-style: chr5-14711332-C-T.
Other names: short protein forms V485M.
Identifiers: ClinVar variation 351498 (VCV000351498.19), dbSNP rs143550972, ClinGen allele CA3208771.